The following is an entry in ClinVar:

ClinVar aggregate classification (germline): Uncertain significance (1 of 4 stars; one submission).

Conditions:
BRAF-related disorder. Also called: BRAF-related condition.

Allele frequency attached by ClinVar (database versions not stated): TOPMed below 0.00001.

Submission:

PreventionGenetics, part of Exact Sciences
Classification: Uncertain significance for BRAF-related condition. Last evaluated: 2023-01-17. Review status: criteria provided, single submitter. Criteria: ACMG Guidelines, 2015. Collection method: clinical testing. Allele origin: germline.
Comment: The BRAF c.553C>G variant is predicted to result in the amino acid substitution p.Leu185Val. To our knowledge, this variant has not been reported in the literature or in a large population database, indicating this variant is rare. At this time, the clinical significance of this variant is uncertain due to the absence of conclusive functional and genetic evidence.

NM_004333.6(BRAF):c.553C>G (p.Leu185Val)

Gene: BRAF (B-Raf proto-oncogene, serine/threonine kinase; minus strand). Cytogenetic location: 7q34.
Variant type: single nucleotide variant.
Coding change: c.553C>G on transcript NM_004333.6 (MANE Select); coding-DNA position 553, C replaced by G.
Protein change: p.Leu185Val; replaces leucine 185 with valine.
Molecular consequence: missense variant.
Genome position (GRCh38, 1-based): chr7:140,808,947, G>C on the plus strand (C>G on the coding strand, the complement: BRAF is on the minus strand). VCF-style: chr7-140808947-G-C. GRCh37 (hg19) VCF-style: chr7-140508747-G-C.
Other names: c.553C>G, p.Leu185Val (NM_001354609.2, NM_001374244.1, NM_001374258.1 and 5 more transcripts); c.451C>G, p.Leu151Val (NM_001378470.1); c.397C>G, p.Leu133Val (NM_001378472.1, NM_001378473.1); c.289C>G, p.Leu97Val (NM_001378475.1); short protein forms L133V, L151V, L185V, L97V.
Identifiers: ClinVar variation 2629957 (VCV002629957.1), dbSNP rs1354338741, ClinGen allele CA369591724.